The following is an entry in ClinVar:

NM_000545.8(HNF1A):c.396G>C (p.Glu132Asp)

Gene: HNF1A (HNF1 homeobox A; plus strand). Cytogenetic location: 12q24.31.
Variant type: single nucleotide variant.
Coding change: c.396G>C on transcript NM_000545.8 (MANE Select); coding-DNA position 396, G replaced by C.
Protein change: p.Glu132Asp; replaces glutamic acid 132 with aspartic acid.
Molecular consequence: missense variant.
Genome position (GRCh38, 1-based): chr12:120,988,902, G>C. VCF-style: chr12-120988902-G-C. GRCh37 (hg19) VCF-style: chr12-121426705-G-C.
Other names: NM_001306179.2:c.396G>C; c.396G>C, p.Glu132Asp (NM_001306179.2, NM_001406915.1); short protein forms E132D.
Identifiers: ClinVar variation 3238984 (VCV003238984.1), dbSNP rs757315704.
Genomic context (GRCh38, chr12:120,988,902, plus strand): 5'-GTGGCGTGTGGCGAAGATGGTCAAGTCCTACCTGCAGCAGCACAACATCCCACAGCGGGA[G>C]GTGGTCGATACCACTGGCCTCAACCAGTCCCACCTGTCCCAACACCTCAACAAGGGCACT-3'
Protein context (NP_000536.6, residues 122-142): YLQQHNIPQR[Glu132Asp]VVDTTGLNQS

ClinVar aggregate classification (germline): Uncertain significance (3 of 4 stars; one submission).

Conditions:
Monogenic diabetes. Identifiers: Orphanet 183625, MedGen C3888631, MONDO:0015967.

Submission:

ClinGen Monogenic Diabetes Variant Curation Expert Panel
Classification: Uncertain significance for Monogenic diabetes. Last evaluated: 2024-06-09. Review status: reviewed by expert panel. Criteria: ClinGen Diabetes ACMG Specifications HNF1A V2.1.0. Collection method: curation. Allele origin: germline. Inheritance: Autosomal dominant inheritance.
Comment: The c.396G>C variant in the HNF1 homeobox A gene, HNF1A, causes an amino acid change of glutamic acid to aspartic acid at codon 132 (p.(Glu132Asp)) of NM_000545.8. This variant is absent from gnomAD v2.1.1 (PM2_Supporting). This variant resides in an amino acid within the HNF1α DNA binding domain that directly binds DNA, which is defined as critical for the protein’s function by the ClinGen MDEP (PM1). This variant is predicted to be deleterious by computational evidence, with a REVEL score of 0.906, which is greater than the MDEP VCEP threshold of 0.70 (PP3). Another missense variant, c.394G>A p.(Glu132Lys), has been classified as pathogenic by the ClinGen MDEP but has a higher grantham distance than p.(Glu132Asp) (PM5_Supporting). This variant was identified in 1 individual with non-autoimmune and non-absolute/near-absolute insulin-deficient diabetes; however, PS4_Moderate cannot be applied because this number is below the ClinGen MDEP threshold (PMID: 18003757, internal lab contributors). The MODY probability is unable to be calculated due to a lack of clinical information (internal lab contributors). In summary, c.390G>T meets the criteria to be classified as a variant of uncertain significance for monogenic diabetes. ACMG/AMP criteria applied, as specified by the ClinGen MDEP (specification version 2.1.0, approved 8/11/2023): PM2_supporting, PM1, PP3, PM5_supporting.